The following is an entry in ClinVar:

NM_006080.3(SEMA3A):c.229A>G (p.Ile77Val)

Gene: SEMA3A (semaphorin 3A; minus strand). Cytogenetic location: 7q21.11.
Variant type: single nucleotide variant.
Coding change: c.229A>G on transcript NM_006080.3 (MANE Select); coding-DNA position 229, A replaced by G.
Protein change: p.Ile77Val; replaces isoleucine 77 with valine.
Molecular consequence: missense variant.
Genome position (GRCh38, 1-based): chr7:84,134,835, T>C on the plus strand (A>G on the coding strand, the complement: SEMA3A is on the minus strand). VCF-style: chr7-84134835-T-C. GRCh37 (hg19) VCF-style: chr7-83764151-T-C.
Other names: short protein forms I77V.
Identifiers: ClinVar variation 1923690 (VCV001923690.9), dbSNP rs746952334, ClinGen allele CA4323081.

ClinVar aggregate classification (germline): Uncertain significance. Review status: criteria provided, multiple submitters, no conflicts (2 of 4 stars). 3 submissions from 3 submitters: Uncertain significance (3). Last evaluated 2026-08-27.

Conditions:
SEMA3A-related disorder. Also called: SEMA3A-related condition.
Inborn genetic diseases. Identifiers: MedGen C0950123, MeSH D030342.

Allele frequency attached by ClinVar (database versions not stated): gnomAD 0.00003; gnomAD exomes 0.00003; TOPMed 0.00005; ExAC 0.00007.
gnomAD v4.1: 48 of 1,613,282 alleles (0.003%); highest among the groups gnomAD compares: Middle Eastern, 0.033%; no homozygotes.

Submissions (3):

PreventionGenetics, part of Exact Sciences
Classification: Uncertain significance for SEMA3A-related condition. Last evaluated: 2026-08-27. Review status: criteria provided, single submitter. Criteria: ACMG Guidelines, 2015. Collection method: clinical testing. Allele origin: germline.
Comment: The SEMA3A c.229A>G variant is predicted to result in the amino acid substitution p.Ile77Val. To our knowledge, this variant has not been reported in the literature. This variant is reported in 0.0085% of alleles in individuals of European (Non-Finnish) descent in gnomAD. At this time, the clinical significance of this variant is uncertain due to the absence of conclusive functional and genetic evidence.

Ambry Genetics
Classification: Uncertain significance for Inborn genetic diseases. Last evaluated: 2025-06-24. Review status: criteria provided, single submitter. Criteria: Ambry Variant Classification Scheme 2023. Collection method: clinical testing. Allele origin: germline.

Labcorp Genetics (formerly Invitae), Labcorp
Classification: Uncertain significance. Last evaluated: 2024-04-29. Review status: criteria provided, single submitter. Criteria: Invitae Variant Classification Sherloc (09022015). Collection method: clinical testing. Allele origin: germline.
Comment: This sequence change replaces isoleucine, which is neutral and non-polar, with valine, which is neutral and non-polar, at codon 77 of the SEMA3A protein (p.Ile77Val). This variant is present in population databases (rs746952334, gnomAD 0.008%). This variant has not been reported in the literature in individuals affected with SEMA3A-related conditions. ClinVar contains an entry for this variant (Variation ID: 1923690). Advanced modeling of protein sequence and biophysical properties (such as structural, functional, and spatial information, amino acid conservation, physicochemical variation, residue mobility, and thermodynamic stability) performed at Invitae indicates that this missense variant is not expected to disrupt SEMA3A protein function with a negative predictive value of 80%. In summary, the available evidence is currently insufficient to determine the role of this variant in disease. Therefore, it has been classified as a Variant of Uncertain Significance.